The following is an entry in ClinVar:

NM_000287.4(PEX6):c.1047-76G>A

Gene: PEX6 (peroxisomal biogenesis factor 6; minus strand). Cytogenetic location: 6p21.1.
Variant type: single nucleotide variant.
Coding change: c.1047-76G>A on transcript NM_000287.4 (MANE Select); 76 bases into the intron before coding-DNA position 1047, G replaced by A.
Molecular consequence: intron variant.
Genome position (GRCh38, 1-based): chr6:42,974,162, C>T on the plus strand (G>A on the coding strand, the complement: PEX6 is on the minus strand). VCF-style: chr6-42974162-C-T. GRCh37 (hg19) VCF-style: chr6-42941900-C-T.
Other names: c.783-76G>A (NM_001316313.2).
Identifiers: ClinVar variation 1707225 (VCV001707225.2), dbSNP rs115767011, ClinGen allele CA138230907.

ClinVar aggregate classification (germline): Likely benign (1 of 4 stars; one submission).

Allele frequency attached by ClinVar (database versions not stated): gnomAD 0.00675; TOPMed 0.00694; 1000 Genomes Project 0.00938; 1000 Genomes Project 30x 0.01062.
gnomAD v4.1: 1,797 of 1,089,932 alleles (0.16%); highest among the groups gnomAD compares: African/African-American, 2.1%; 11 homozygotes.

Submission:

GeneDx
Classification: Likely benign. Last evaluated: 2020-09-20. Review status: criteria provided, single submitter. Criteria: GeneDx Variant Classification Process June 2021. Collection method: clinical testing. Allele origin: germline. Affected: yes.
Comment: See Variant Classification Assertion Criteria.